The following is an entry in ClinVar:

ClinVar aggregate classification (germline): Uncertain significance. Review status: criteria provided, multiple submitters, no conflicts (2 of 4 stars). 3 submissions from 3 submitters: Uncertain significance (3). Last evaluated 2025-07-27.

Conditions:
Osteogenesis imperfecta type 9 (OI9). Also called: Oi type IX; OI 9; Osteogenesis imperfecta sillence type II/III without abnormality of type I collagen. Identifiers: MedGen C1850169, MONDO:0009805, OMIM 259440.

Allele frequency attached by ClinVar (database versions not stated): gnomAD exomes 0.00001; TOPMed 0.00002.
gnomAD v4.1: 21 of 1,614,102 alleles (0.0013%); highest among the groups gnomAD compares: East Asian, 0.0022%; no homozygotes.

Submissions (3):

GeneDx
Classification: Uncertain significance. Last evaluated: 2025-07-27. Review status: criteria provided, single submitter. Criteria: GeneDx Variant Classification Process June 2021. Collection method: clinical testing. Allele origin: germline. Affected: yes.
Comment: In silico analysis supports that this missense variant has a deleterious effect on protein structure/function; Has not been previously published as pathogenic or benign to our knowledge

Labcorp Genetics (formerly Invitae), Labcorp
Classification: Uncertain significance. Last evaluated: 2022-07-05. Review status: criteria provided, single submitter. Criteria: Invitae Variant Classification Sherloc (09022015). Collection method: clinical testing. Allele origin: germline.
Comment: This sequence change replaces arginine, which is basic and polar, with cysteine, which is neutral and slightly polar, at codon 122 of the PPIB protein (p.Arg122Cys). This variant is present in population databases (no rsID available, gnomAD 0.007%). This variant has not been reported in the literature in individuals affected with PPIB-related conditions. ClinVar contains an entry for this variant (Variation ID: 316703). Algorithms developed to predict the effect of missense changes on protein structure and function (SIFT, PolyPhen-2, Align-GVGD) all suggest that this variant is likely to be disruptive. In summary, the available evidence is currently insufficient to determine the role of this variant in disease. Therefore, it has been classified as a Variant of Uncertain Significance.

Illumina Laboratory Services, Illumina
Classification: Uncertain significance for Osteogenesis imperfecta type 9. Last evaluated: 2018-01-13. Review status: criteria provided, single submitter. Criteria: ICSL Variant Classification Criteria 13 December 2019. Collection method: clinical testing. Allele origin: germline.

NM_000942.5(PPIB):c.364C>T (p.Arg122Cys)

Genes: SNX22 (sorting nexin 22; plus strand), PPIB (peptidylprolyl isomerase B; minus strand). Cytogenetic location: 15q22.31.
Variant type: single nucleotide variant.
Coding change: c.364C>T on transcript NM_000942.5 (MANE Select); coding-DNA position 364, C replaced by T.
Protein change: p.Arg122Cys; replaces arginine 122 with cysteine.
Molecular consequence: missense variant. On other transcripts: 3 prime UTR variant (1), non-coding transcript variant (1).
Genome position (GRCh38, 1-based): chr15:64,156,889, G>A on the plus strand (C>T on the coding strand, the complement: PPIB is on the minus strand). VCF-style: chr15-64156889-G-A. GRCh37 (hg19) VCF-style: chr15-64449088-G-A.
Other names: c.*2381G>A (NM_024798.3); short protein forms R122C.
Identifiers: ClinVar variation 316703 (VCV000316703.7), dbSNP rs886051322, ClinGen allele CA10647209.
Genomic context (GRCh38, chr15:64,156,889, plus strand): 5'-TGGCCATGCTCACCCAGCCAGGCCCGTAGTGCTTCAGTTTGAAGTTCTCATCGGGGAAGC[G>A]CTCACCGTAGATGCTCTTTCCTGGGAAAAAAGACAGAGCAGGTCAGGGGCGCTGGATTGC-3'
Protein context (NP_000933.1, residues 112-132): GTGGKSIYGE[Arg122Cys]FPDENFKLKH